The following is an entry in ClinVar:

NM_015135.3(NUP205):c.2428C>T (p.Leu810=)

Gene: NUP205 (nucleoporin 205; plus strand). Cytogenetic location: 7q33.
Variant type: single nucleotide variant.
Coding change: c.2428C>T on transcript NM_015135.3 (MANE Select); coding-DNA position 2428, C replaced by T.
Protein change: p.Leu810=; no amino-acid change (leucine 810 retained).
Molecular consequence: synonymous variant.
Genome position (GRCh38, 1-based): chr7:135,601,423, C>T. VCF-style: chr7-135601423-C-T. GRCh37 (hg19) VCF-style: chr7-135286171-C-T.
Other names: c.1354C>T, p.Leu452= (NM_001329434.2).
Identifiers: ClinVar variation 782498 (VCV000782498.10), dbSNP rs148624313, ClinGen allele CA4498350.

ClinVar aggregate classification (germline): Benign. Review status: criteria provided, single submitter (1 of 4 stars). 2 submissions from 2 submitters: Benign (1). 1 of the submissions does not count toward it. Last evaluated 2026-01-19.

Conditions:
NUP205-related disorder. Also called: NUP205-related condition.

Allele frequency attached by ClinVar (database versions not stated): gnomAD exomes 0.00011 and 0.00034; ExAC 0.00031; 1000 Genomes Project 0.00080; 1000 Genomes Project 30x 0.00094; gnomAD 0.00111 and 0.00122; TOPMed 0.00134; ESP Exome Variant Server 0.00146.
gnomAD v4.1: 344 of 1,613,664 alleles (0.021%); highest among the groups gnomAD compares: African/African-American, 0.36%; no homozygotes.

Submissions (2):

Labcorp Genetics (formerly Invitae), Labcorp
Classification: Benign. Last evaluated: 2026-01-19. Review status: criteria provided, single submitter. Criteria: Invitae Variant Classification Sherloc (09022015). Collection method: clinical testing. Allele origin: germline.

PreventionGenetics, part of Exact Sciences
Classification: Likely benign for NUP205-related condition. Last evaluated: 2019-07-23. Review status: no assertion criteria provided. Collection method: clinical testing. Allele origin: germline. Not counted in ClinVar's aggregate classification.
Comment: This variant is classified as likely benign based on ACMG/AMP sequence variant interpretation guidelines (Richards et al. 2015 PMID: 25741868, with internal and published modifications).